The following is an entry in ClinVar:

ClinVar aggregate classification (germline): Pathogenic/Likely pathogenic. Review status: criteria provided, multiple submitters, no conflicts (2 of 4 stars). 4 submissions from 4 submitters: Pathogenic (1); Likely pathogenic (1). 2 of the submissions do not count toward it. Last evaluated 2025-12-11.

Conditions:
Anauxetic dysplasia. Identifiers: Orphanet 93347, MedGen C1846796, MONDO:0011773.
Metaphyseal chondrodysplasia, McKusick type (CHH). Also called: Cartilage-hair hypoplasia; Cartilage-Hair Hypoplasia (CHH). Identifiers: Orphanet 175, MedGen C0220748, MONDO:0009595, OMIM 250250.

Submissions (4):

Labcorp Genetics (formerly Invitae), Labcorp
Classification: Pathogenic for Anauxetic dysplasia. Last evaluated: 2025-12-11. Review status: criteria provided, single submitter. Criteria: Invitae Variant Classification Sherloc (09022015). Collection method: clinical testing. Allele origin: germline.
Comment: This variant occurs in the RMRP gene, which encodes an RNA molecule that does not result in a protein product. This variant is present in population databases (no rsID available, gnomAD 0.005%). While this particular variant has not been reported in the literature, it is located in the promoter region between the TATA box and the transcription initiation site, and other insertions and duplications immediately upstream of the coding sequence have been reported in individuals affected with cartilage-hair hypoplasia-anauxetic dysplasia (CHH-AD) spectrum disorders (PMID: 16244706, 11207361, 12107819). ClinVar contains an entry for this variant (Variation ID: 557339). While functional studies for this variant have not been reported, experimental analyses using patient derived cells, as well as in vitro transfection studies, have shown that promoter insertions result in silencing of RMRP transcription and reduced expression of the gene product (PMID: 11207361, 16254002). For these reasons, this variant has been classified as Pathogenic.

Women's Health and Genetics/Laboratory Corporation of America, LabCorp
Classification: Likely pathogenic for Metaphyseal chondrodysplasia, McKusick type. Last evaluated: 2024-08-02. Review status: criteria provided, single submitter. Criteria: LabCorp Variant Classification Summary - May 2015. Collection method: clinical testing. Allele origin: germline.
Comment: Variant summary: RMRP n.-23_-13dup11 is located in the promoter region of the RMRP gene which is located between the TATA box (at position -33 to -25) and the transcription initiation site (at +1). Other insertions or duplications in the promoter region of RMRP have been classified as pathogenic (internally and in ClinVar). The variant was absent in 127922 control chromosomes. To our knowledge, no occurrence of n.-23_-13dup11 in individuals affected with Cartilage-Hair Hypoplasia and no experimental evidence demonstrating its impact on protein function have been reported. Many other insertions or duplications in the promoter region of RMRP have been reported in affected individuals in the literature (e.g. PMIDs: 21956908, 21396580) and have been demonstrated through functional studies to lead to reduced RMRP transcription (e.g. PMIDs: 11207361, 16254002). ClinVar contains an entry for this variant (Variation ID: 557339). Based on the evidence outlined above, the variant was classified as likely pathogenic.

Natera, Inc.
Classification: Likely pathogenic for Cartilage-hair hypoplasia. Last evaluated: 2021-10-01. Review status: no assertion criteria provided. Collection method: clinical testing. Allele origin: germline. Not counted in ClinVar's aggregate classification.

Counsyl
Classification: Likely pathogenic for Metaphyseal chondrodysplasia, McKusick type. Last evaluated: 2018-03-18. Review status: no assertion criteria provided. Collection method: clinical testing. Allele origin: unknown. Not counted in ClinVar's aggregate classification.

Literature cited by the submitters: PubMed 16244706 (cited by Labcorp Genetics (formerly Invitae), Labcorp); PubMed 11207361 (cited by Labcorp Genetics (formerly Invitae), Labcorp and Counsyl); PubMed 12107819 (cited by Labcorp Genetics (formerly Invitae), Labcorp); PubMed 16254002 (cited by Labcorp Genetics (formerly Invitae), Labcorp); PubMed 17937437 (cited by Counsyl); PubMed 14608646 (cited by Counsyl).

NR_003051.3(RMRP):n.-23_-13dup

Gene: RMRP (RNA component of mitochondrial RNA processing endoribonuclease; minus strand). Cytogenetic location: 9p13.3.
Variant type: Duplication.
Genome position: GRCh38 VCF-style: chr9-35658030-T-TTCACAGAGTAG. GRCh37 (hg19) VCF-style: chr9-35658027-T-TTCACAGAGTAG.
Identifiers: ClinVar variation 557339 (VCV000557339.37), dbSNP rs1554651513, ClinGen allele CA587570232.